The following is an entry in ClinVar:

ClinVar aggregate classification (germline): Likely pathogenic (1 of 4 stars; one submission).

Submission:

GeneDx
Classification: Likely pathogenic. Last evaluated: 2017-09-06. Review status: criteria provided, single submitter. Criteria: GeneDx Variant Classification (06012015). Collection method: clinical testing. Allele origin: germline. Affected: yes.
Comment: The Q162X variant in the DDX11 gene has not been reported previously as a pathogenic variant nor as a benign variant, to our knowledge. This variant is predicted to cause loss of normal protein function either through protein truncation or nonsense-mediated mRNA decay. The Q162X variant is not observed in large population cohorts (Lek et al., 2016; 1000 Genomes Consortium et al., 2015; Exome Variant Server). We interpret Q162X as a likely pathogenic variant.

NM_030653.4(DDX11):c.484C>T (p.Gln162Ter)

Gene: DDX11 (DEAD/H-box helicase 11; plus strand). Cytogenetic location: 12p11.21.
Variant type: single nucleotide variant.
Coding change: c.484C>T on transcript NM_030653.4 (MANE Select); coding-DNA position 484, C replaced by T.
Protein change: p.Gln162Ter; replaces glutamine 162 with a stop codon.
Molecular consequence: nonsense.
Genome position (GRCh38, 1-based): chr12:31,084,972, C>T. VCF-style: chr12-31084972-C-T. GRCh37 (hg19) VCF-style: chr12-31237906-C-T.
Other names: c.484C>T, p.Gln162Ter (NM_001257144.2, NM_004399.3, NM_152438.2); c.406C>T, p.Gln136Ter (NM_001257145.2); short protein forms Q162*, Q136*.
Identifiers: ClinVar variation 489053 (VCV000489053.2), dbSNP rs1359896342, ClinGen allele CA384240107.